The following is an entry in ClinVar:

NM_014844.5(TECPR2):c.541A>G (p.Ser181Gly)

Gene: TECPR2 (tectonin beta-propeller repeat containing 2; plus strand). Cytogenetic location: 14q32.31.
Variant type: single nucleotide variant.
Coding change: c.541A>G on transcript NM_014844.5 (MANE Select); coding-DNA position 541, A replaced by G.
Protein change: p.Ser181Gly; replaces serine 181 with glycine.
Molecular consequence: missense variant.
Genome position (GRCh38, 1-based): chr14:102,414,696, A>G. VCF-style: chr14-102414696-A-G. GRCh37 (hg19) VCF-style: chr14-102881033-A-G.
Other names: c.541A>G, p.Ser181Gly (NM_001172631.3); short protein forms S181G.
Identifiers: ClinVar variation 579653 (VCV000579653.5), dbSNP rs200469835, ClinGen allele CA7357470.

ClinVar aggregate classification (germline): Uncertain significance. Review status: criteria provided, single submitter (1 of 4 stars). 2 submissions from 2 submitters: Uncertain significance (1). 1 of the submissions does not count toward it. Last evaluated 2021-08-27.

Conditions:
Hereditary spastic paraplegia 49 (HSAN9). Also called: TECPR2-Related Hereditary Sensory and Autonomic Neuropathy with Intellectual Disability; Spastic paraplegia 49, autosomal recessive; NEUROPATHY, HEREDITARY SENSORY AND AUTONOMIC, TYPE IX, WITH DEVELOPMENTAL DELAY. Identifiers: Orphanet 320385, MedGen C5190860, MONDO:0014016, OMIM 615031.

Allele frequency attached by ClinVar (database versions not stated): gnomAD 0.00001 and 0.00002; gnomAD exomes 0.00001 and 0.00006; TOPMed 0.00002; ExAC 0.00004; 1000 Genomes Project 30x 0.00031; 1000 Genomes Project 0.00040.
gnomAD v4.1: 21 of 1,614,230 alleles (0.0013%); highest among the groups gnomAD compares: East Asian, 0.042%; no homozygotes.

Submissions (2):

Labcorp Genetics (formerly Invitae), Labcorp
Classification: Uncertain significance for Hereditary spastic paraplegia 49. Last evaluated: 2021-08-27. Review status: criteria provided, single submitter. Criteria: Invitae Variant Classification Sherloc (09022015). Collection method: clinical testing. Allele origin: germline.
Comment: This sequence change replaces serine with glycine at codon 181 of the TECPR2 protein (p.Ser181Gly). The serine residue is moderately conserved and there is a small physicochemical difference between serine and glycine. This variant is present in population databases (rs200469835, ExAC 0.06%). This variant has not been reported in the literature in individuals affected with TECPR2-related conditions. Algorithms developed to predict the effect of missense changes on protein structure and function (SIFT, PolyPhen-2, Align-GVGD) all suggest that this variant is likely to be tolerated. In summary, the available evidence is currently insufficient to determine the role of this variant in disease. Therefore, it has been classified as a Variant of Uncertain Significance.

Natera, Inc.
Classification: Uncertain significance for Autosomal recessive spastic paraplegia type 49. Last evaluated: 2020-04-16. Review status: no assertion criteria provided. Collection method: clinical testing. Allele origin: germline. Not counted in ClinVar's aggregate classification.